The following is an entry in ClinVar:

ClinVar aggregate classification (germline): Conflicting classifications of pathogenicity. Review status: criteria provided, conflicting classifications (1 of 4 stars). 2 submissions from 2 submitters: Likely pathogenic (1); Uncertain significance (1). Last evaluated 2024-12-16.

Conditions:
Ornithine carbamoyltransferase deficiency (OTCD). Also called: ORNITHINE TRANSCARBAMYLASE DEFICIENCY; Ornithine Carbamoyltransferase Deficiency Disease; ORNITHINE TRANSCARBAMYLASE DEFICIENCY, HYPERAMMONEMIA DUE TO; OTC DEFICIENCY. Identifiers: Orphanet 664, MedGen C0268542, MONDO:0010703, OMIM 311250.

Submissions (2):

GeneDx
Classification: Uncertain significance. Last evaluated: 2024-12-16. Review status: criteria provided, single submitter. Criteria: GeneDx Variant Classification Process June 2021. Collection method: clinical testing. Allele origin: germline. Affected: yes.
Comment: Published functional studies suggest this variant is associated with normal OTC activity (PMID: 37146589); Not observed at significant frequency in large population cohorts (gnomAD); In silico analysis supports that this missense variant has a deleterious effect on protein structure/function; This variant is associated with the following publications: (PMID: 37146589)

Labcorp Genetics (formerly Invitae), Labcorp
Classification: Likely pathogenic for Ornithine carbamoyltransferase deficiency. Last evaluated: 2024-12-03. Review status: criteria provided, single submitter. Criteria: Invitae Variant Classification Sherloc (09022015). Collection method: clinical testing. Allele origin: germline.
Comment: This sequence change replaces aspartic acid, which is acidic and polar, with glutamic acid, which is acidic and polar, at codon 126 of the OTC protein (p.Asp126Glu). This variant is not present in population databases (gnomAD no frequency). This variant has not been reported in the literature in individuals affected with OTC-related conditions. Invitae Evidence Modeling of protein sequence and biophysical properties (such as structural, functional, and spatial information, amino acid conservation, physicochemical variation, residue mobility, and thermodynamic stability) indicates that this missense variant is expected to disrupt OTC protein function with a positive predictive value of 95%. This variant disrupts the p.Asp126 amino acid residue in OTC. Other variant(s) that disrupt this residue have been determined to be pathogenic (PMID: 8081398, 34014569). This suggests that this residue is clinically significant, and that variants that disrupt this residue are likely to be disease-causing. In summary, the currently available evidence indicates that the variant is pathogenic, but additional data are needed to prove that conclusively. Therefore, this variant has been classified as Likely Pathogenic.

Literature cited by the submitters: PubMed 8081398 (cited by Labcorp Genetics (formerly Invitae), Labcorp); PubMed 34014569 (cited by Labcorp Genetics (formerly Invitae), Labcorp).

NM_000531.6(OTC):c.378C>A (p.Asp126Glu)

Gene: OTC (ornithine transcarbamylase; plus strand). Cytogenetic location: Xp11.4.
Variant type: single nucleotide variant.
Coding change: c.378C>A on transcript NM_000531.6 (MANE Select); coding-DNA position 378, C replaced by A.
Protein change: p.Asp126Glu; replaces aspartic acid 126 with glutamic acid.
Molecular consequence: missense variant.
Genome position (GRCh38, 1-based): chrX:38,381,421, C>A. VCF-style: chrX-38381421-C-A. GRCh37 (hg19) VCF-style: chrX-38240674-C-A.
Other names: c.378C>A (NM_000531.5); c.378C>A, p.Asp126Glu (NM_001407092.1); short protein forms D126E.
Identifiers: ClinVar variation 3617384 (VCV003617384.3).